The following is an entry in ClinVar:

ClinVar aggregate classification (germline): Uncertain significance. Review status: criteria provided, multiple submitters, no conflicts (2 of 4 stars). 2 submissions from 2 submitters: Uncertain significance (2). Last evaluated 2024-02-01.

Conditions:
Aicardi-Goutieres syndrome 2. Identifiers: Orphanet 51, MedGen C3489724, MONDO:0012429, OMIM 610181.

Allele frequency attached by ClinVar (database versions not stated): TOPMed below 0.00001; gnomAD 0.00001 and 0.00002; gnomAD exomes 0.00003; ExAC 0.00007.
gnomAD v4.1: 10 of 1,438,786 alleles (0.0007%); highest among the groups gnomAD compares: East Asian, 0.0025%; no homozygotes.

Submissions (2):

CeGaT Center for Human Genetics Tuebingen
Classification: Uncertain significance. Last evaluated: 2024-02-01. Review status: criteria provided, single submitter. Criteria: CeGaT Center For Human Genetics Tuebingen Variant Classification Criteria Version 2. Collection method: clinical testing. Allele origin: germline. Affected: yes. Observed: 1 variant allele.
Comment: RNASEH2B: PM2, PVS1:Moderate

Labcorp Genetics (formerly Invitae), Labcorp
Classification: Uncertain significance for Aicardi-Goutieres syndrome 2. Last evaluated: 2022-06-01. Review status: criteria provided, single submitter. Criteria: Invitae Variant Classification Sherloc (09022015). Collection method: clinical testing. Allele origin: germline.
Comment: This sequence change creates a premature translational stop signal (p.Lys306*) in the RNASEH2B gene. While this is not anticipated to result in nonsense mediated decay, it is expected to disrupt the last 7 amino acid(s) of the RNASEH2B protein. The frequency data for this variant in the population databases is considered unreliable, as metrics indicate poor data quality at this position in the gnomAD database. This variant has not been reported in the literature in individuals affected with RNASEH2B-related conditions. ClinVar contains an entry for this variant (Variation ID: 1519375). Experimental studies and prediction algorithms are not available or were not evaluated, and the functional significance of this variant is currently unknown. In summary, the available evidence is currently insufficient to determine the role of this variant in disease. Therefore, it has been classified as a Variant of Uncertain Significance.

NM_024570.4(RNASEH2B):c.916A>T (p.Lys306Ter)

Gene: RNASEH2B (ribonuclease H2 subunit B; plus strand). Cytogenetic location: 13q14.3.
Variant type: single nucleotide variant.
Coding change: c.916A>T on transcript NM_024570.4 (MANE Select); coding-DNA position 916, A replaced by T.
Protein change: p.Lys306Ter; replaces lysine 306 with a stop codon.
Molecular consequence: nonsense. On other transcripts: intron variant (1).
Genome position (GRCh38, 1-based): chr13:50,956,451, A>T. VCF-style: chr13-50956451-A-T. GRCh37 (hg19) VCF-style: chr13-51530587-A-T.
Other names: c.741+6946A>T (NM_001142279.2); short protein forms K306*.
Identifiers: ClinVar variation 1519375 (VCV001519375.27), dbSNP rs774043353, ClinGen allele CA6985754.